The following is an entry in ClinVar:

ClinVar aggregate classification (germline): Uncertain significance (1 of 4 stars; one submission).

gnomAD v4.1: 2 of 1,583,954 alleles (0.00013%); highest among the groups gnomAD compares: South Asian, 0.0012%; no homozygotes.

Submission:

Labcorp Genetics (formerly Invitae), Labcorp
Classification: Uncertain significance. Last evaluated: 2023-08-07. Review status: criteria provided, single submitter. Criteria: Invitae Variant Classification Sherloc (09022015). Collection method: clinical testing. Allele origin: germline.
Comment: This variant has not been reported in the literature in individuals affected with EIF2AK1-related conditions. In summary, the available evidence is currently insufficient to determine the role of this variant in disease. Therefore, it has been classified as a Variant of Uncertain Significance. Variants that disrupt the consensus splice site are a relatively common cause of aberrant splicing (PMID: 17576681, 9536098). Algorithms developed to predict the effect of sequence changes on RNA splicing suggest that this variant may disrupt the consensus splice site. An algorithm developed to predict the effect of missense changes on protein structure and function (PolyPhen-2) suggests that this variant is likely to be tolerated. This variant is not present in population databases (gnomAD no frequency). This sequence change replaces arginine, which is basic and polar, with lysine, which is basic and polar, at codon 150 of the EIF2AK1 protein (p.Arg150Lys). This variant also falls at the last nucleotide of exon 4, which is part of the consensus splice site for this exon.

Literature cited by the submitters: PubMed 17576681; PubMed 9536098.

NM_014413.4(EIF2AK1):c.449G>A (p.Arg150Lys)

Gene: EIF2AK1 (eukaryotic translation initiation factor 2 alpha kinase 1; minus strand). Cytogenetic location: 7p22.1.
Variant type: single nucleotide variant.
Coding change: c.449G>A on transcript NM_014413.4 (MANE Select); coding-DNA position 449, G replaced by A.
Protein change: p.Arg150Lys; replaces arginine 150 with lysine.
Molecular consequence: missense variant.
Genome position (GRCh38, 1-based): chr7:6,048,807, C>T on the plus strand (G>A on the coding strand, the complement: EIF2AK1 is on the minus strand). VCF-style: chr7-6048807-C-T. GRCh37 (hg19) VCF-style: chr7-6088438-C-T.
Other names: c.449G>A, p.Arg150Lys (NM_001134335.2); short protein forms R150K.
Identifiers: ClinVar variation 2820379 (VCV002820379.3), dbSNP rs2536918756, ClinGen allele CA366756926.
Genomic context (GRCh38, chr7:6,048,807, plus strand): 5'-TTTCTTAATTTTGATTTCTTTTCAATAGTCTGCATAATCAAGAAAGTTTTTCACACATAC[C>T]TGATTTTCTGGATACGAGAAATATCCTCACAAGGATCCTACAATTAAAAAATTGTTTTTA-3'
Protein context (NP_055228.2, residues 140-160): CEDISRIQKI[Arg150Lys]SREVALEAQT